The following is an entry in ClinVar:

ClinVar aggregate classification (germline): Uncertain significance (1 of 4 stars; one submission).

Conditions:
Developmental and epileptic encephalopathy, 34 (DEE34). Also called: SLC12A5-Related Epilepsy of Infancy with Migrating Focal Seizures; Early infantile epileptic encephalopathy 34. Identifiers: Orphanet 293181, MedGen C4225257, MONDO:0014718, OMIM 616645.

Submission:

Labcorp Genetics (formerly Invitae), Labcorp
Classification: Uncertain significance for Developmental and epileptic encephalopathy, 34. Last evaluated: 2022-01-13. Review status: criteria provided, single submitter. Criteria: Invitae Variant Classification Sherloc (09022015). Collection method: clinical testing. Allele origin: germline.
Comment: This sequence change replaces glutamic acid, which is acidic and polar, with glycine, which is neutral and non-polar, at codon 1027 of the SLC12A5 protein (p.Glu1027Gly). This variant is not present in population databases (gnomAD no frequency). This variant has not been reported in the literature in individuals affected with SLC12A5-related conditions. Advanced modeling of protein sequence and biophysical properties (such as structural, functional, and spatial information, amino acid conservation, physicochemical variation, residue mobility, and thermodynamic stability) performed at Invitae indicates that this missense variant is not expected to disrupt SLC12A5 protein function. In summary, the available evidence is currently insufficient to determine the role of this variant in disease. Therefore, it has been classified as a Variant of Uncertain Significance.

NM_020708.5(SLC12A5):c.3080A>G (p.Glu1027Gly)

Gene: SLC12A5 (solute carrier family 12 member 5; plus strand). Cytogenetic location: 20q13.12.
Variant type: single nucleotide variant.
Coding change: c.3080A>G on transcript NM_020708.5 (MANE Select); coding-DNA position 3080, A replaced by G.
Protein change: p.Glu1027Gly; replaces glutamic acid 1027 with glycine.
Molecular consequence: missense variant.
Genome position (GRCh38, 1-based): chr20:46,056,534, A>G. VCF-style: chr20-46056534-A-G. GRCh37 (hg19) VCF-style: chr20-44685173-A-G.
Other names: c.3149A>G, p.Glu1050Gly (NM_001134771.2); short protein forms E1027G, E1050G.
Identifiers: ClinVar variation 2081894 (VCV002081894.4), dbSNP rs2515654018, ClinGen allele CA409208161.